The following is an entry in ClinVar:

NM_153717.3(EVC):c.193C>A (p.Leu65Met)

Gene: EVC (EvC ciliary complex subunit 1; plus strand). Cytogenetic location: 4p16.2.
Variant type: single nucleotide variant.
Coding change: c.193C>A on transcript NM_153717.3 (MANE Select); coding-DNA position 193, C replaced by A.
Protein change: p.Leu65Met; replaces leucine 65 with methionine.
Molecular consequence: missense variant.
Genome position (GRCh38, 1-based): chr4:5,719,266, C>A. VCF-style: chr4-5719266-C-A. GRCh37 (hg19) VCF-style: chr4-5720993-C-A.
Other names: c.193C>A, p.Leu65Met (NM_001306090.2, NM_001306092.2); short protein forms L65M.
Identifiers: ClinVar variation 2158324 (VCV002158324.2), dbSNP rs140697525, ClinGen allele CA2835594.

ClinVar aggregate classification (germline): Uncertain significance (1 of 4 stars; one submission).

Conditions:
Ellis-van Creveld syndrome (EVC). Also called: MESOECTODERMAL DYSPLASIA; Chondroectodermal dysplasia; EVC-Related Ellis-van Creveld Syndrome; EVC2-Related Ellis-van Creveld Syndrome. Identifiers: Orphanet 289, MedGen C0013903, MONDO:0009162, OMIM 225500.
Curry-Hall syndrome (WAD). Also called: WEYERS ACRODENTAL DYSOSTOSIS. Identifiers: Orphanet 952, MedGen C0457013, MONDO:0008673, OMIM 193530.

Allele frequency attached by ClinVar (database versions not stated): gnomAD exomes below 0.00001; gnomAD 0.00001; ExAC 0.00002; TOPMed 0.00005; ESP Exome Variant Server 0.00023.
gnomAD v4.1: 7 of 1,614,016 alleles (0.00043%); highest among the groups gnomAD compares: African/African-American, 0.0093%; no homozygotes.

Submission:

Labcorp Genetics (formerly Invitae), Labcorp
Classification: Uncertain significance for Curry-Hall syndrome; Ellis-van Creveld syndrome. Last evaluated: 2025-03-17. Review status: criteria provided, single submitter. Criteria: Invitae Variant Classification Sherloc (09022015). Collection method: clinical testing. Allele origin: germline.
Comment: This sequence change replaces leucine, which is neutral and non-polar, with methionine, which is neutral and non-polar, at codon 65 of the EVC protein (p.Leu65Met). This variant is present in population databases (rs140697525, gnomAD 0.03%). This variant has not been reported in the literature in individuals affected with EVC-related conditions. ClinVar contains an entry for this variant (Variation ID: 2158324). Invitae Evidence Modeling of protein sequence and biophysical properties (such as structural, functional, and spatial information, amino acid conservation, physicochemical variation, residue mobility, and thermodynamic stability) has been performed for this missense variant. However, the output from this modeling did not meet the statistical confidence thresholds required to predict the impact of this variant on EVC protein function. In summary, the available evidence is currently insufficient to determine the role of this variant in disease. Therefore, it has been classified as a Variant of Uncertain Significance.